The following is an entry in ClinVar:

NM_153033.5(KCTD7):c.207_214del (p.Cys71fs)

Gene: KCTD7 (potassium channel tetramerization domain containing 7; plus strand). Cytogenetic location: 7q11.21.
Variant type: Deletion.
Coding change: c.207_214del on transcript NM_153033.5 (MANE Select); coding-DNA positions 207 to 214, 8 bases deleted (GCGGTGCT; older notation c.207_214delGCGGTGCT).
Protein change: p.Cys71fs; shifts the reading frame from cysteine 71.
Molecular consequence: frameshift variant.
Genome position (GRCh38, 1-based): chr7:66,633,337-66,633,344, GCGGTGCT deleted; deleting any 8 consecutive bases within chr7:66,633,335-66,633,344 gives the same sequence; the c. name uses the placement nearest the transcript's 3' end. VCF-style (leftmost placement, unchanged base first): chr7-66633334-ACTGCGGTG-A. GRCh37 (hg19) VCF-style: chr7-66098321-ACTGCGGTG-A.
Other names: c.205_212delCTGCGGTG (NM_153033.5); c.207_214del, p.Cys71fs (NM_001167961.2); short protein forms C71fs.
Identifiers: ClinVar variation 2502292 (VCV002502292.1), dbSNP rs2535241170, ClinGen allele CA2580615896.
Genomic context (GRCh38, chr7:66,633,334, plus strand): 5'-GTTTCCTGAGGTTGTTCCCCTTAACATCGGAGGGGCTCACTTCACTACACGCCTGTCCAC[ACTGCGGTG>A]CTACGAAGACACCATGTTGGCAGCCATGTTCAGTGGGCGGCACTACATCCCCACGGACTC-3'

ClinVar aggregate classification (germline): Likely pathogenic (1 of 4 stars; one submission).

Conditions:
Progressive myoclonic epilepsy type 3. Also called: EPILEPSY, PROGRESSIVE MYOCLONIC, 3, WITHOUT INTRACELLULAR INCLUSIONS; KCTD7-Related Progressive Myoclonic Epilepsy; EPILEPSY, PROGRESSIVE MYOCLONIC, 3, WITH OR WITHOUT INTRACELLULAR INCLUSIONS; CEROID LIPOFUSCINOSIS, NEURONAL, 14. Identifiers: Orphanet 263516, MedGen C2673257, MONDO:0012721, OMIM 611726.

Submission:

Lifecell International Pvt. Ltd
Classification: Likely pathogenic for Progressive myoclonic epilepsy type 3. Review status: criteria provided, single submitter. Criteria: ACMG Guidelines, 2015. Collection method: clinical testing. Allele origin: germline. Inheritance: Autosomal recessive inheritance. Affected: yes. Observed: 1 homozygote.
Comment: A Homozygote Frameshift variant c.205_212delCTGCGGTG in Exon 2 of the KCTD7 gene that results in the amino acid substitution p.Cys71fs*130 was identified. The observed variant is novel in gnomAD exomes and genomes, respectively. The severity of the impact of this variant on the protein is high, based on the effect of the protein and REVEL score . Rare Exome Variant Ensemble Learner (REVEL) is an ensembl method for predicting the pathogenicity of missense variants based on a combination of scores from 13 individual tools: MutPred, FATHMM v2.3, VEST 3.0, PolyPhen-2, SIFT, PROVEAN, MutationAssessor, MutationTaster, LRT, GERP++, SiPhy, phyloP, and phastCons. The REVEL score for an individual missense variant can range from 0 to 1, with higher scores reflecting greater likelihood that the variant is disease-causing. Based on the above evidence this variant has been classified as Likely Pathogenic according to the ACMG guidelines.